The following is an entry in ClinVar:

ClinVar aggregate classification (germline): Pathogenic (1 of 4 stars; one submission).

Submission:

Labcorp Genetics (formerly Invitae), Labcorp
Classification: Pathogenic. Last evaluated: 2025-10-18. Review status: criteria provided, single submitter. Criteria: Invitae Variant Classification Sherloc (09022015). Collection method: clinical testing. Allele origin: germline.
Comment: This sequence change creates a premature translational stop signal (p.Gln817*) in the KIF11 gene. It is expected to result in an absent or disrupted protein product. Loss-of-function variants in KIF11 are known to be pathogenic (PMID: 22284827, 24281367). This variant is not present in population databases (gnomAD no frequency). This premature translational stop signal has been observed in individual(s) with a developmental disorder (PMID: 28135719). This variant is also known as g.94405301 C>T. ClinVar contains an entry for this variant (Variation ID: 957914). For these reasons, this variant has been classified as Pathogenic.

Literature cited by the submitters: PubMed 22284827; PubMed 24281367; PubMed 28135719.

NM_004523.4(KIF11):c.2449C>T (p.Gln817Ter)

Gene: KIF11 (kinesin family member 11; plus strand). Cytogenetic location: 10q23.33.
Variant type: single nucleotide variant.
Coding change: c.2449C>T on transcript NM_004523.4 (MANE Select); coding-DNA position 2449, C replaced by T.
Protein change: p.Gln817Ter; replaces glutamine 817 with a stop codon.
Molecular consequence: nonsense.
Genome position (GRCh38, 1-based): chr10:92,645,544, C>T. VCF-style: chr10-92645544-C-T. GRCh37 (hg19) VCF-style: chr10-94405301-C-T.
Other names: short protein forms Q817*.
Identifiers: ClinVar variation 957914 (VCV000957914.9), dbSNP rs1844909724, ClinGen allele CA377594257.